The following is an entry in ClinVar:

NM_022489.4(INF2):c.2335G>A (p.Gly779Ser)

Gene: INF2 (inverted formin 2; plus strand). Cytogenetic location: 14q32.33.
Variant type: single nucleotide variant.
Coding change: c.2335G>A on transcript NM_022489.4 (MANE Select); coding-DNA position 2335, G replaced by A.
Protein change: p.Gly779Ser; replaces glycine 779 with serine.
Molecular consequence: missense variant. On other transcripts: non-coding transcript variant (1).
Genome position (GRCh38, 1-based): chr14:104,711,103, G>A. VCF-style: chr14-104711103-G-A. GRCh37 (hg19) VCF-style: chr14-105177440-G-A.
Other names: c.2335G>A, p.Gly779Ser (NM_001031714.4, NM_001426862.1, NM_001426863.1 and 2 more transcripts); short protein forms G779S.
Identifiers: ClinVar variation 3601967 (VCV003601967.1).

ClinVar aggregate classification (germline): Uncertain significance (1 of 4 stars; one submission).

Conditions:
Focal segmental glomerulosclerosis 5 (FSGS5). Identifiers: Orphanet 656, MedGen C2750475, MONDO:0013191, OMIM 613237.

Submission:

MVZ Medizinische Genetik Mainz
Classification: Uncertain significance for Focal segmental glomerulosclerosis 5. Last evaluated: 2025-01-14. Review status: criteria provided, single submitter. Criteria: UK Practice Guidelines For Variant Classification V4 01 2020. Collection method: clinical testing. Allele origin: germline. Inheritance: Autosomal dominant inheritance. Affected: yes. Observed: 1 variant allele.
Comment: ACMG Criteria: PP3_MOD,PM2_SUP,PP2,PP4